The following is an entry in ClinVar:

NM_002890.3(RASA1):c.271_291del (p.Thr91_Gly97del)

Gene: RASA1 (RAS p21 protein activator 1; plus strand). Cytogenetic location: 5q14.3.
Variant type: Deletion.
Coding change: c.271_291del on transcript NM_002890.3 (MANE Select); coding-DNA positions 271 to 291, 21 bases deleted (ACTGCTGCTGGCGTAGCTGGT).
Protein change: p.Thr91_Gly97del.
Molecular consequence: inframe deletion.
Genome position (GRCh38, 1-based): chr5:87,268,722-87,268,742, ACTGCTGCTGGCGTAGCTGGT deleted; deleting any 21 consecutive bases within chr5:87,268,719-87,268,742 gives the same sequence; the c. name uses the placement nearest the transcript's 3' end. VCF-style (leftmost placement, unchanged base first): chr5-87268718-AGGTACTGCTGCTGGCGTAGCT-A. GRCh37 (hg19) VCF-style: chr5-86564535-AGGTACTGCTGCTGGCGTAGCT-A.
Identifiers: ClinVar variation 4692398 (VCV004692398.1).

ClinVar aggregate classification (germline): Uncertain significance (1 of 4 stars; one submission).

Conditions:
Capillary malformation-arteriovenous malformation syndrome. Also called: Capillary malformation-arteriovenous malformation. Identifiers: Orphanet 137667, MedGen C1842180, MONDO:0012016.

Submission:

Labcorp Genetics (formerly Invitae), Labcorp
Classification: Uncertain significance for Capillary malformation-arteriovenous malformation syndrome. Last evaluated: 2025-08-24. Review status: criteria provided, single submitter. Criteria: Invitae Variant Classification Sherloc (09022015). Collection method: clinical testing. Allele origin: germline.
Comment: This variant, c.271_291del, results in the deletion of 7 amino acid(s) of the RASA1 protein (p.Thr91_Gly97del), but otherwise preserves the integrity of the reading frame. This variant is present in population databases (no rsID available, gnomAD 0.002%). This variant has not been reported in the literature in individuals affected with RASA1-related conditions. Experimental studies and prediction algorithms are not available or were not evaluated, and the functional significance of this variant is currently unknown. In summary, the available evidence is currently insufficient to determine the role of this variant in disease. Therefore, it has been classified as a Variant of Uncertain Significance.